The following is an entry in ClinVar:

ClinVar aggregate classification (germline): Uncertain significance (1 of 4 stars; one submission).

Conditions:
Hyper-IgE recurrent infection syndrome 3, autosomal recessive. Also called: Autosomal recessive hyper-IgE syndrome due to ZNF341 deficiency; HYPER-IgE SYNDROME 3, AUTOSOMAL RECESSIVE, WITH RECURRENT INFECTIONS. Identifiers: Orphanet 641368, MedGen C4748969, MONDO:0032654, OMIM 618282.

Submission:

Labcorp Genetics (formerly Invitae), Labcorp
Classification: Uncertain significance for Combined immunodeficiency due to DOCK8 deficiency. Last evaluated: 2023-10-29. Review status: criteria provided, single submitter. Criteria: Invitae Variant Classification Sherloc (09022015). Collection method: clinical testing. Allele origin: germline.
Comment: This variant results in a copy number gain of the genomic region encompassing exon(s) 1-14 of the DOCK8 gene. This region includes the initiator codon of the gene. This copy number gain extends beyond the assayed region for this gene and therefore may encompass additional genes. As the precise location of this event is unknown, it may be in tandem or it may be located elsewhere in the genome. This variant has not been reported in the literature in individuals affected with DOCK8-related conditions. Experimental studies and prediction algorithms are not available or were not evaluated, and the functional significance of this variant is currently unknown. In summary, the available evidence is currently insufficient to determine the role of this variant in disease. Therefore, it has been classified as a Variant of Uncertain Significance.

NC_000009.11:g.(?_214977)_(340341_?)dup

Genes: DOCK8 (dedicator of cytokinesis 8; plus strand), DOCK8-AS1 (DOCK8 antisense RNA 1; minus strand). Cytogenetic location: 9p24.3.
Variant type: Duplication.
Identifiers: ClinVar variation 1413011 (VCV001413011.9).